The following is an entry in ClinVar:

ClinVar aggregate classification (germline): Uncertain significance (1 of 4 stars; one submission).

Conditions:
Melanoma, cutaneous malignant, susceptibility to, 8. Also called: MELANOMA AND RENAL CELL CARCINOMA, SUSCEPTIBILITY TO; Cutaneous malignant melanoma 8. Identifiers: Orphanet 293822, MedGen C3152204, MONDO:0013759, OMIM 614456.
Tietz syndrome (TADS). Also called: TIETZ ALBINISM-DEAFNESS SYNDROME; ALBINISM-DEAFNESS OF TIETZ; HYPOPIGMENTATION/DEAFNESS OF TIETZ. Identifiers: Orphanet 42665, MedGen C0391816, MONDO:0007077, OMIM 103500.
Waardenburg syndrome type 2A (WS2A). Also called: WAARDENBURG SYNDROME WITHOUT DYSTOPIA CANTHORUM. Identifiers: Orphanet 3440, MedGen C1860339, MONDO:0008671, OMIM 193510.

Submission:

Labcorp Genetics (formerly Invitae), Labcorp
Classification: Uncertain significance for Melanoma, cutaneous malignant, susceptibility to, 8; Waardenburg syndrome type 2A; Tietz syndrome. Last evaluated: 2025-11-13. Review status: criteria provided, single submitter. Criteria: Invitae Variant Classification Sherloc (09022015). Collection method: clinical testing. Allele origin: germline.
Comment: This sequence change falls in intron 2 of the MITF gene. It does not directly change the encoded amino acid sequence of the MITF protein. This variant is not present in population databases (gnomAD no frequency). This variant has not been reported in the literature in individuals affected with MITF-related conditions. Algorithms developed to predict the effect of sequence changes on RNA splicing suggest that this variant may disrupt the consensus splice site. In summary, the available evidence is currently insufficient to determine the role of this variant in disease. Therefore, it has been classified as a Variant of Uncertain Significance.

NM_001354604.2(MITF):c.583-14_583-5del

Gene: MITF (melanocyte inducing transcription factor; plus strand). Cytogenetic location: 3p13.
Variant type: Deletion.
Coding change: c.583-14_583-5del on transcript NM_001354604.2 (MANE Select); 14 bases into the intron before coding-DNA position 583 through 5 bases into the intron before coding-DNA position 583, 10 bases deleted (TTGTGTTTTT; older notation c.583-14_583-5delTTGTGTTTTT).
Molecular consequence: intron variant.
Genome position (GRCh38, 1-based): chr3:69,939,084-69,939,093, TTGTGTTTTT deleted. VCF-style (leftmost placement, unchanged base first): chr3-69939083-CTTGTGTTTTT-C. GRCh37 (hg19) VCF-style: chr3-69988234-CTTGTGTTTTT-C.
Other names: c.532-14_532-5del (NM_001354607.2); c.427-14_427-5del (NM_001354608.2, NM_001184967.2); c.583-14_583-5del (NM_198159.3); c.580-14_580-5del (NM_001354605.2, NM_001354606.2, NM_006722.3); c.535-14_535-5del (NM_198177.3); c.262-14_262-5del (NM_000248.4, NM_198158.3); c.94-14_94-5del (NM_198178.3).
Identifiers: ClinVar variation 4786702 (VCV004786702.1).